The following is an entry in ClinVar:

ClinVar aggregate classification (germline): Uncertain significance (1 of 4 stars; one submission).

Allele frequency attached by ClinVar (database versions not stated): gnomAD exomes below 0.00001; gnomAD 0.00001.
gnomAD v4.1: 2 of 1,612,396 alleles (0.00012%); highest among the groups gnomAD compares: Non-Finnish European, 0.00017%; no homozygotes.

Submission:

Labcorp Genetics (formerly Invitae), Labcorp
Classification: Uncertain significance. Last evaluated: 2023-11-27. Review status: criteria provided, single submitter. Criteria: Invitae Variant Classification Sherloc (09022015). Collection method: clinical testing. Allele origin: germline.
Comment: This sequence change replaces isoleucine, which is neutral and non-polar, with valine, which is neutral and non-polar, at codon 19 of the NDUFA2 protein (p.Ile19Val). This variant is present in population databases (no rsID available, gnomAD 0.0009%). This variant has not been reported in the literature in individuals affected with NDUFA2-related conditions. ClinVar contains an entry for this variant (Variation ID: 1937842). Algorithms developed to predict the effect of missense changes on protein structure and function output the following: SIFT: "Not Available"; PolyPhen-2: "Benign"; Align-GVGD: "Not Available". The valine amino acid residue is found in multiple mammalian species, which suggests that this missense change does not adversely affect protein function. In summary, the available evidence is currently insufficient to determine the role of this variant in disease. Therefore, it has been classified as a Variant of Uncertain Significance.

NM_002488.5(NDUFA2):c.55A>G (p.Ile19Val)

Genes: NDUFA2 (NADH:ubiquinone oxidoreductase subunit A2; minus strand), TMCO6 (transmembrane and coiled-coil domains 6; plus strand). Cytogenetic location: 5q31.3.
Variant type: single nucleotide variant.
Coding change: c.55A>G on transcript NM_002488.5 (MANE Select); coding-DNA position 55, A replaced by G.
Protein change: p.Ile19Val; replaces isoleucine 19 with valine.
Molecular consequence: missense variant. On other transcripts: non-coding transcript variant (1).
Genome position (GRCh38, 1-based): chr5:140,647,529, T>C on the plus strand (A>G on the coding strand, the complement: NDUFA2 is on the minus strand). VCF-style: chr5-140647529-T-C. GRCh37 (hg19) VCF-style: chr5-140027114-T-C.
Other names: c.55A>G, p.Ile19Val (NM_001185012.2); short protein forms I19V.
Identifiers: ClinVar variation 1937842 (VCV001937842.5), dbSNP rs1254988594, ClinGen allele CA361216771.
Genomic context (GRCh38, chr5:140,647,529, plus strand): 5'-ACGCCGCGCCTCACCTGACGCCCTGGCTGCCGGGCGAGCGCTGACATAAGTGGATGCGAA[T>C]CTCACGCAGGCCCAGCTTTGCCCCGACTCCTCGACTTGCTGCGGCCGCCGCCATCCTTGT-3'
Protein context (NP_002479.1, residues 9-29): GVGAKLGLRE[Ile19Val]RIHLCQRSPG